The following is an entry in ClinVar:

NM_002637.4(PHKA1):c.2171A>G (p.Gln724Arg)

Gene: PHKA1 (phosphorylase kinase regulatory subunit alpha 1; minus strand). Cytogenetic location: Xq13.1.
Variant type: single nucleotide variant.
Coding change: c.2171A>G on transcript NM_002637.4 (MANE Select); coding-DNA position 2171, A replaced by G.
Protein change: p.Gln724Arg; replaces glutamine 724 with arginine.
Molecular consequence: missense variant.
Genome position (GRCh38, 1-based): chrX:72,619,272, T>C on the plus strand (A>G on the coding strand, the complement: PHKA1 is on the minus strand). VCF-style: chrX-72619272-T-C. GRCh37 (hg19) VCF-style: chrX-71839122-T-C.
Other names: p.Gln724Arg; c.2171A>G, p.Gln724Arg (NM_001122670.2); c.1994A>G, p.Gln665Arg (NM_001172436.2); short protein forms Q665R, Q724R.
Identifiers: ClinVar variation 2978864 (VCV002978864.4), dbSNP rs139339661, ClinGen allele CA331059026.

ClinVar aggregate classification (germline): Uncertain significance. Review status: criteria provided, multiple submitters, no conflicts (2 of 4 stars). 2 submissions from 2 submitters: Uncertain significance (2). Last evaluated 2024-08-12.

Conditions:
Glycogen storage disease IXd (GSD9D). Also called: Muscle Phosphorylase Kinase Deficiency; GSD IXd. Identifiers: Orphanet 715, MedGen C1845151, MONDO:0010362, OMIM 300559.

Allele frequency attached by ClinVar (database versions not stated): gnomAD exomes below 0.00001; TOPMed 0.00005; ESP Exome Variant Server 0.00019.
gnomAD v4.1: 4 of 1,188,121 alleles (0.00034%); highest among the groups gnomAD compares: African/African-American, 0.007%; no homozygotes.

Submissions (2):

Mayo Clinic Laboratories, Mayo Clinic
Classification: Uncertain significance. Last evaluated: 2024-08-12. Review status: criteria provided, single submitter. Criteria: ACMG Guidelines, 2015. Collection method: clinical testing. Allele origin: germline. Observed: 1 variant allele.
Comment: PM2

Labcorp Genetics (formerly Invitae), Labcorp
Classification: Uncertain significance for Glycogen storage disease IXd. Last evaluated: 2023-03-17. Review status: criteria provided, single submitter. Criteria: Invitae Variant Classification Sherloc (09022015). Collection method: clinical testing. Allele origin: germline.
Comment: This sequence change replaces glutamine, which is neutral and polar, with arginine, which is basic and polar, at codon 724 of the PHKA1 protein (p.Gln724Arg). In summary, the available evidence is currently insufficient to determine the role of this variant in disease. Therefore, it has been classified as a Variant of Uncertain Significance. Advanced modeling of protein sequence and biophysical properties (such as structural, functional, and spatial information, amino acid conservation, physicochemical variation, residue mobility, and thermodynamic stability) performed at Invitae indicates that this missense variant is not expected to disrupt PHKA1 protein function. This variant has not been reported in the literature in individuals affected with PHKA1-related conditions. This variant is not present in population databases (gnomAD no frequency).